The following is an entry in ClinVar:

ClinVar aggregate classification (germline): Uncertain significance (1 of 4 stars; one submission).

Submission:

Labcorp Genetics (formerly Invitae), Labcorp
Classification: Uncertain significance. Last evaluated: 2023-12-01. Review status: criteria provided, single submitter. Criteria: Invitae Variant Classification Sherloc (09022015). Collection method: clinical testing. Allele origin: germline.
Comment: This variant is a gross deletion of the genomic region encompassing exon(s) 1-6 of the TNNI3K gene, which includes the initiator codon. This deletion extends beyond the assayed region for this gene and therefore may encompass additional genes. It is expected to result in an absent or disrupted protein product. However, the current clinical and genetic evidence is not sufficient to establish whether loss-of-function variants in TNNI3K cause disease. This variant has not been reported in the literature in individuals affected with TNNI3K-related conditions. In summary, the available evidence is currently insufficient to determine the role of this variant in disease. Therefore, it has been classified as a Variant of Uncertain Significance.

NC_000001.10:g.(?_74701136)_(74797252_?)del

Genes: FPGT-TNNI3K (FPGT-TNNI3K readthrough; plus strand), TNNI3K (TNNI3 interacting kinase; plus strand). Cytogenetic location: 1p31.1.
Variant type: Deletion.
Identifiers: ClinVar variation 1412004 (VCV001412004.5).